The following is an entry in ClinVar:

ClinVar aggregate classification (germline): Uncertain significance (1 of 4 stars; one submission).

Conditions:
Inborn genetic diseases. Identifiers: MedGen C0950123, MeSH D030342.

Submission:

Ambry Genetics
Classification: Uncertain significance for Inborn genetic diseases. Last evaluated: 2024-09-02. Review status: criteria provided, single submitter. Criteria: Ambry Variant Classification Scheme 2023. Collection method: clinical testing. Allele origin: germline.
Comment: The p.Y91F variant (also known as c.272A>T), located in coding exon 3 of the EPAS1 gene, results from an A to T substitution at nucleotide position 272. The tyrosine at codon 91 is replaced by phenylalanine, an amino acid with highly similar properties. This amino acid position is conserved. In addition, this alteration is predicted to be tolerated by in silico analysis. Based on the available evidence, the clinical significance of this variant remains unclear.

NM_001430.5(EPAS1):c.272A>T (p.Tyr91Phe)

Gene: EPAS1 (endothelial PAS domain protein 1; plus strand). Cytogenetic location: 2p21.
Variant type: single nucleotide variant.
Coding change: c.272A>T on transcript NM_001430.5 (MANE Select); coding-DNA position 272, A replaced by T.
Protein change: p.Tyr91Phe; replaces tyrosine 91 with phenylalanine.
Molecular consequence: missense variant.
Genome position (GRCh38, 1-based): chr2:46,356,205, A>T. VCF-style: chr2-46356205-A-T. GRCh37 (hg19) VCF-style: chr2-46583344-A-T.
Other names: short protein forms Y91F.
Identifiers: ClinVar variation 3508979 (VCV003508979.1).